The following is an entry in ClinVar:

ClinVar aggregate classification (germline): Conflicting classifications of pathogenicity. Review status: criteria provided, conflicting classifications (1 of 4 stars). 3 submissions from 3 submitters: Uncertain significance (1); Likely benign (2). Last evaluated 2024-02-11.

Conditions:
Familial cancer of breast. Also called: hereditary breast carcinoma; Hereditary breast cancer; BREAST CANCER, FAMILIAL. Identifiers: Orphanet 227535, MedGen C0346153, MONDO:0016419, OMIM 114480. Disease mechanism: loss of function.
Hereditary cancer-predisposing syndrome. Also called: Hereditary Cancer Syndrome; Tumor predisposition; Hereditary neoplastic syndrome; Neoplastic Syndromes, Hereditary. Identifiers: Orphanet 140162, MedGen C0027672, MeSH D009386, MONDO:0015356.
Hereditary breast ovarian cancer syndrome. Also called: Hereditary breast and ovarian cancer; Hereditary breast and ovarian cancer syndrome; BRCA1- and BRCA2-Associated Hereditary Breast and Ovarian Cancer; Hereditary breast and ovarian cancer syndrome (HBOC); Breast and ovarian cancer; Hereditary breast and/or ovarian cancer syndrome. Identifiers: Orphanet 145, MedGen C0677776, MeSH D061325, MONDO:0003582. Disease mechanism: loss of function.

Submissions (3):

Labcorp Genetics (formerly Invitae), Labcorp
Classification: Uncertain significance for Hereditary breast ovarian cancer syndrome. Last evaluated: 2024-02-11. Review status: criteria provided, single submitter. Criteria: Invitae Variant Classification Sherloc (09022015). Collection method: clinical testing. Allele origin: germline.
Comment: This sequence change replaces serine, which is neutral and polar, with threonine, which is neutral and polar, at codon 648 of the BRCA2 protein (p.Ser648Thr). This variant is not present in population databases (gnomAD no frequency). This variant has not been reported in the literature in individuals affected with BRCA2-related conditions. ClinVar contains an entry for this variant (Variation ID: 646691). Advanced modeling of protein sequence and biophysical properties (such as structural, functional, and spatial information, amino acid conservation, physicochemical variation, residue mobility, and thermodynamic stability) performed at Invitae indicates that this missense variant is not expected to disrupt BRCA2 protein function with a negative predictive value of 95%. In summary, the available evidence is currently insufficient to determine the role of this variant in disease. Therefore, it has been classified as a Variant of Uncertain Significance.

MGZ Medical Genetics Center
Classification: Likely benign for Familial cancer of breast. Last evaluated: 2024-02-09. Review status: criteria provided, single submitter. Criteria: CSpec BRCA1/2ACMG Rules Specifications V1.1.0. Collection method: clinical testing. Allele origin: germline. Affected: yes.
Comment: ACMG codes applied following ENIGMA VCEP rules: BP1_STR

University of Washington Department of Laboratory Medicine, University of Washington
Classification: Likely benign for Hereditary cancer-predisposing syndrome. Last evaluated: 2023-03-23. Review status: criteria provided, single submitter. Criteria: Dines et al. (Genet Med. 2020). Collection method: curation. Allele origin: germline.
Comment: Missense variant in a coldspot region where missense variants are very unlikely to be pathogenic (PMID:31911673).

BRCA2 exon 11 coldspot. Reclassification based on statistical prior probability.

NM_000059.4(BRCA2):c.1942T>A (p.Ser648Thr)

Gene: BRCA2 (BRCA2 DNA repair associated; plus strand). Cytogenetic location: 13q13.1.
Variant type: single nucleotide variant.
Coding change: c.1942T>A on transcript NM_000059.4 (MANE Select); coding-DNA position 1942, T replaced by A.
Protein change: p.Ser648Thr; replaces serine 648 with threonine.
Molecular consequence: missense variant.
Genome position (GRCh38, 1-based): chr13:32,336,297, T>A. VCF-style: chr13-32336297-T-A. GRCh37 (hg19) VCF-style: chr13-32910434-T-A.
Other names: short protein forms S648T.
Identifiers: ClinVar variation 646691 (VCV000646691.11), dbSNP rs1593895835, ClinGen allele CA387768372.